The following is an entry in ClinVar:

NM_006329.4(FBLN5):c.160C>G (p.Arg54Gly)

Gene: FBLN5 (fibulin 5; minus strand). Cytogenetic location: 14q32.12.
Variant type: single nucleotide variant.
Coding change: c.160C>G on transcript NM_006329.4 (MANE Select); coding-DNA position 160, C replaced by G.
Protein change: p.Arg54Gly; replaces arginine 54 with glycine.
Molecular consequence: missense variant. On other transcripts: 5 prime UTR variant (2).
Genome position (GRCh38, 1-based): chr14:91,937,166, G>C on the plus strand (C>G on the coding strand, the complement: FBLN5 is on the minus strand). VCF-style: chr14-91937166-G-C. GRCh37 (hg19) VCF-style: chr14-92403510-G-C.
Other names: c.283C>G, p.Arg95Gly (NM_001384158.1); c.211C>G, p.Arg71Gly (NM_001384159.1); c.160C>G, p.Arg54Gly (NM_001384160.1); c.-9C>G (NM_001384161.1, NM_001384162.1); short protein forms R54G, R95G, R71G.
Identifiers: ClinVar variation 4767699 (VCV004767699.1).
Genomic context (GRCh38, chr14:91,937,166, plus strand): 5'-GGTTTGTCCGGGGAATGCATAAATACCCGCCATTTTGGTTAACACACATCATGTCTCCTC[G>C]GCAGGCCTCGGGGATGGTTCGGCATTCATCAATATCTGAAAGGCACAGAAAGGGCGAGCA-3'
Protein context (NP_006320.2, residues 44-64): DECRTIPEAC[Arg54Gly]GDMMCVNQNG

ClinVar aggregate classification (germline): Uncertain significance (1 of 4 stars; one submission).

gnomAD v4.1: 5 of 1,614,088 alleles (0.00031%); highest among the groups gnomAD compares: East Asian, 0.0022%; no homozygotes.

Submission:

Labcorp Genetics (formerly Invitae), Labcorp
Classification: Uncertain significance. Last evaluated: 2025-08-14. Review status: criteria provided, single submitter. Criteria: Invitae Variant Classification Sherloc (09022015). Collection method: clinical testing. Allele origin: germline.
Comment: This sequence change replaces arginine, which is basic and polar, with glycine, which is neutral and non-polar, at codon 54 of the FBLN5 protein (p.Arg54Gly). This variant is not present in population databases (gnomAD no frequency). This variant has not been reported in the literature in individuals affected with FBLN5-related conditions. An algorithm developed to predict the effect of missense changes on protein structure and function (PolyPhen-2) suggests that this variant is likely to be disruptive. In summary, the available evidence is currently insufficient to determine the role of this variant in disease. Therefore, it has been classified as a Variant of Uncertain Significance.